The following is an entry in ClinVar:

ClinVar aggregate classification (germline): Uncertain significance. Review status: criteria provided, multiple submitters, no conflicts (2 of 4 stars). 2 submissions from 2 submitters: Uncertain significance (2). Last evaluated 2025-03-25.

Conditions:
Inborn genetic diseases. Identifiers: MedGen C0950123, MeSH D030342.
Left ventricular noncompaction 8 (LVNC8). Identifiers: Orphanet 154, Orphanet 54260, MedGen C3809288, MONDO:0014152, OMIM 615373.

Allele frequency attached by ClinVar (database versions not stated): gnomAD exomes 0.00002; TOPMed 0.00002; gnomAD 0.00003; ESP Exome Variant Server 0.00008.
gnomAD v4.1: 38 of 1,550,068 alleles (0.0025%); highest among the groups gnomAD compares: African/African-American, 0.0082%; no homozygotes.

Submissions (2):

Labcorp Genetics (formerly Invitae), Labcorp
Classification: Uncertain significance for Left ventricular noncompaction 8. Last evaluated: 2025-03-25. Review status: criteria provided, single submitter. Criteria: Invitae Variant Classification Sherloc (09022015). Collection method: clinical testing. Allele origin: germline.
Comment: This sequence change replaces arginine, which is basic and polar, with glutamine, which is neutral and polar, at codon 1173 of the PRDM16 protein (p.Arg1173Gln). The frequency data for this variant in the population databases is considered unreliable, as metrics indicate poor data quality at this position in the gnomAD database. This variant has not been reported in the literature in individuals affected with PRDM16-related conditions. ClinVar contains an entry for this variant (Variation ID: 2069711). An algorithm developed to predict the effect of missense changes on protein structure and function (PolyPhen-2) suggests that this variant is likely to be disruptive. In summary, the available evidence is currently insufficient to determine the role of this variant in disease. Therefore, it has been classified as a Variant of Uncertain Significance.

Ambry Genetics
Classification: Uncertain significance for Inborn genetic diseases. Last evaluated: 2024-03-04. Review status: criteria provided, single submitter. Criteria: Ambry Variant Classification Scheme 2023. Collection method: clinical testing. Allele origin: germline.

NM_022114.4(PRDM16):c.3518G>A (p.Arg1173Gln)

Gene: PRDM16 (PR/SET domain 16; plus strand). Cytogenetic location: 1p36.32.
Variant type: single nucleotide variant.
Coding change: c.3518G>A on transcript NM_022114.4 (MANE Select); coding-DNA position 3518, G replaced by A.
Protein change: p.Arg1173Gln; replaces arginine 1173 with glutamine.
Molecular consequence: missense variant.
Genome position (GRCh38, 1-based): chr1:3,431,105, G>A. VCF-style: chr1-3431105-G-A. GRCh37 (hg19) VCF-style: chr1-3347669-G-A.
Other names: c.3518G>A, p.Arg1173Gln (NM_199454.3); c.3518G>A (NM_022114.3); short protein forms R1173Q.
Identifiers: ClinVar variation 2069711 (VCV002069711.5), dbSNP rs370663882, ClinGen allele CA544884.